The following is an entry in ClinVar:

NM_005862.3(STAG1):c.2557dup (p.Glu853fs)

Gene: STAG1 (STAG1 cohesin complex component; minus strand). Cytogenetic location: 3q22.3.
Variant type: Duplication.
Coding change: c.2557dup on transcript NM_005862.3 (MANE Select); coding-DNA position 2557, one base duplicated (G; older notation c.2557dupG).
Protein change: p.Glu853fs; shifts the reading frame from glutamic acid 853.
Molecular consequence: frameshift variant.
Genome position (GRCh38, 1-based): chr3:136,367,071, C duplicated on the plus strand (G on the coding strand, the reverse complement: STAG1 is on the minus strand). VCF-style (leftmost placement, unchanged base first): chr3-136367070-T-TC. GRCh37 (hg19) VCF-style: chr3-136085912-T-TC.
Other names: short protein forms E853fs.
Identifiers: ClinVar variation 633008 (VCV000633008.1), dbSNP rs1560062082, ClinGen allele CA913189395.

ClinVar aggregate classification (germline): Likely pathogenic (1 of 4 stars; one submission).

Conditions:
Intellectual developmental disorder, autosomal dominant 47. Also called: Intellectual disability, autosomal dominant 47; MENTAL RETARDATION, AUTOSOMAL DOMINANT 47. Identifiers: Orphanet 502434, MedGen C4539951, MONDO:0030912, OMIM 617635.

Submission:

Women's Health and Genetics/Laboratory Corporation of America, LabCorp
Classification: Likely pathogenic for MENTAL RETARDATION, AUTOSOMAL DOMINANT 47. Last evaluated: 2018-12-19. Review status: criteria provided, single submitter. Criteria: LabCorp Variant Classification Summary - May 2015. Collection method: clinical testing. Allele origin: germline.
Comment: Variant summary: STAG1 c.2557dupG (p.Glu853GlyfsX3) results in a premature termination codon, predicted to cause a truncation of the encoded protein or absence of the protein due to nonsense mediated decay, which are commonly known mechanisms for disease. The variant was absent in 244306 control chromosomes (gnomAD). To our knowledge, no occurrence of c.2557dupG in individuals affected with Mental retardation, autosomal dominant 47 and no experimental evidence demonstrating its impact on protein function have been reported. No clinical diagnostic laboratories have submitted clinical-significance assessments for this variant to ClinVar after 2014. Based on the evidence outlined above, the variant was classified as likely pathogenic.